The following is an entry in ClinVar:

NM_002335.4(LRP5):c.2046T>C (p.Phe682=)

Gene: LRP5 (LDL receptor related protein 5; plus strand). Cytogenetic location: 11q13.2.
Variant type: single nucleotide variant.
Coding change: c.2046T>C on transcript NM_002335.4 (MANE Select); coding-DNA position 2046, T replaced by C.
Protein change: p.Phe682=; no amino-acid change (phenylalanine 682 retained).
Molecular consequence: synonymous variant.
Genome position (GRCh38, 1-based): chr11:68,406,768, T>C. VCF-style: chr11-68406768-T-C. GRCh37 (hg19) VCF-style: chr11-68174236-T-C.
Other names: c.303T>C, p.Phe101= (NM_001291902.2).
Identifiers: ClinVar variation 1096346 (VCV001096346.15), dbSNP rs61740517, ClinGen allele CA6149514.
Genomic context (GRCh38, chr11:68,406,768, plus strand): 5'-CAATAACAACGACGTGGCCATCCCGCTCACGGGCGTCAAGGAGGCCTCAGCCCTGGACTT[T>C]GATGTGTCCAACAACCACATCTACTGGACAGACGTCAGCCTGAAGGTAGCGTGGGCCAGA-3'
Protein context (NP_002326.2, residues 672-692): TGVKEASALD[Phe682=]DVSNNHIYWT

ClinVar aggregate classification (germline): Conflicting classifications of pathogenicity. Review status: criteria provided, conflicting classifications (1 of 4 stars). 5 submissions from 5 submitters: Uncertain significance (1); Likely benign (3). 1 of the submissions does not count toward it. Last evaluated 2026-01-11.

Conditions:
Exudative vitreoretinopathy 1 (EVR1). Also called: FEVR, AUTOSOMAL DOMINANT; Familial exudative vitreoretinopathy, autosomal dominant; CRISWICK-SCHEPENS SYNDROME. Identifiers: Orphanet 891, Orphanet 90050, MedGen C1851402, MONDO:0007589, OMIM 133780.
Osteoporosis. Identifiers: MedGen C0029456, MONDO:0005298, OMIM 166710, HP:0000939.
Autosomal dominant osteopetrosis 1 (OPTA1). Also called: OSTEOPETROSIS, AUTOSOMAL DOMINANT, TYPE I. Identifiers: Orphanet 2783, MedGen C1843330, MONDO:0011877, OMIM 607634.
Osteoporosis with pseudoglioma (OPPG). Also called: osteoporosis-pseudoglioma syndrome. Identifiers: Orphanet 2788, MedGen C0432252, MONDO:0009820, OMIM 259770.
Polycystic liver disease 4 with or without kidney cysts. Identifiers: MedGen C4693479, MONDO:0044327, OMIM 617875.
Bone mineral density quantitative trait locus 1 (BMND1). Identifiers: MedGen C1866079, OMIM 601884.
Exudative vitreoretinopathy 4 (EVR4). Identifiers: Orphanet 891, MedGen C1866176, MONDO:0011151, OMIM 601813.
Worth disease. Also called: ENDOSTEAL HYPEROSTOSIS, AUTOSOMAL DOMINANT; Autosomal dominant osteosclerosis, Worth type; OSTEOSCLEROSIS, AUTOSOMAL DOMINANT. Identifiers: Orphanet 2790, MedGen C0432273, MONDO:0007764, OMIM 144750.
LRP5-related disorder. Also called: LRP5-related condition.
Osteogenesis imperfecta (OI). Identifiers: Orphanet 666, MedGen C0029434, MeSH D010013, MONDO:0019019.

Allele frequency attached by ClinVar (database versions not stated): gnomAD exomes 0.00010; ExAC 0.00012; 1000 Genomes Project 30x 0.00016; 1000 Genomes Project 0.00020; gnomAD 0.00048 and 0.00050; TOPMed 0.00051; ESP Exome Variant Server 0.00085.

Submissions (5):

Labcorp Genetics (formerly Invitae), Labcorp
Classification: Likely benign. Last evaluated: 2026-01-11. Review status: criteria provided, single submitter. Criteria: Invitae Variant Classification Sherloc (09022015). Collection method: clinical testing. Allele origin: germline.

Blueprint Genetics
Classification: Likely benign. Last evaluated: 2022-11-05. Review status: criteria provided, single submitter. Criteria: ACMG Guidelines, 2015. Collection method: clinical testing. Allele origin: germline.

Genome Diagnostics Laboratory, The Hospital for Sick Children
Classification: Uncertain significance for Osteogenesis imperfecta. Last evaluated: 2022-01-28. Review status: criteria provided, single submitter. Criteria: ACMG Guidelines, 2015. Collection method: clinical testing. Allele origin: germline.

Fulgent Genetics
Classification: Likely benign for Exudative vitreoretinopathy 1; Worth disease; Osteoporosis; Osteoporosis with pseudoglioma; Exudative vitreoretinopathy 4; Bone mineral density quantitative trait locus 1; Autosomal dominant osteopetrosis 1; Polycystic liver disease 4 with or without kidney cysts. Last evaluated: 2021-10-15. Review status: criteria provided, single submitter. Criteria: ACMG Guidelines, 2015. Collection method: clinical testing. Allele origin: unknown.

PreventionGenetics, part of Exact Sciences
Classification: Likely benign for LRP5-related condition. Last evaluated: 2024-09-04. Review status: no assertion criteria provided. Collection method: clinical testing. Allele origin: germline. Not counted in ClinVar's aggregate classification.
Comment: This variant is classified as likely benign based on ACMG/AMP sequence variant interpretation guidelines (Richards et al. 2015 PMID: 25741868, with internal and published modifications).